The following is an entry in ClinVar:

NM_003816.3(ADAM9):c.1085A>G (p.Asp362Gly)

Gene: ADAM9 (ADAM metallopeptidase domain 9; plus strand). Cytogenetic location: 8p11.22.
Variant type: single nucleotide variant.
Coding change: c.1085A>G on transcript NM_003816.3 (MANE Select); coding-DNA position 1085, A replaced by G.
Protein change: p.Asp362Gly; replaces aspartic acid 362 with glycine.
Molecular consequence: missense variant. On other transcripts: non-coding transcript variant (3).
Genome position (GRCh38, 1-based): chr8:39,026,765, A>G. VCF-style: chr8-39026765-A-G. GRCh37 (hg19) VCF-style: chr8-38884284-A-G.
Other names: short protein forms D362G.
Identifiers: ClinVar variation 362929 (VCV000362929.9), dbSNP rs751054116, ClinGen allele CA4721523.

ClinVar aggregate classification (germline): Uncertain significance. Review status: criteria provided, multiple submitters, no conflicts (2 of 4 stars). 2 submissions from 2 submitters: Uncertain significance (2). Last evaluated 2022-05-25.

Conditions:
Cone-rod dystrophy 9 (CORD9). Identifiers: Orphanet 1872, MedGen C1423873, MONDO:0013002, OMIM 612775.

Allele frequency attached by ClinVar (database versions not stated): gnomAD exomes 0.00001; TOPMed 0.00001; ExAC 0.00002.
gnomAD v4.1: 9 of 1,614,114 alleles (0.00056%); highest among the groups gnomAD compares: Non-Finnish European, 0.00076%; no homozygotes.

Submissions (2):

Labcorp Genetics (formerly Invitae), Labcorp
Classification: Uncertain significance. Last evaluated: 2022-05-25. Review status: criteria provided, single submitter. Criteria: Invitae Variant Classification Sherloc (09022015). Collection method: clinical testing. Allele origin: germline.
Comment: In summary, the available evidence is currently insufficient to determine the role of this variant in disease. Therefore, it has been classified as a Variant of Uncertain Significance. Algorithms developed to predict the effect of missense changes on protein structure and function output the following: SIFT: "Tolerated"; PolyPhen-2: "Benign"; Align-GVGD: "Class C0". The glycine amino acid residue is found in multiple mammalian species, which suggests that this missense change does not adversely affect protein function. ClinVar contains an entry for this variant (Variation ID: 362929). This variant has not been reported in the literature in individuals affected with ADAM9-related conditions. This variant is present in population databases (rs751054116, gnomAD 0.002%). This sequence change replaces aspartic acid, which is acidic and polar, with glycine, which is neutral and non-polar, at codon 362 of the ADAM9 protein (p.Asp362Gly).

Illumina Laboratory Services, Illumina
Classification: Uncertain significance for Cone-rod dystrophy 9. Last evaluated: 2018-01-13. Review status: criteria provided, single submitter. Criteria: ICSL Variant Classification Criteria 13 December 2019. Collection method: clinical testing. Allele origin: germline.